The following is an entry in ClinVar:

NM_177438.3(DICER1):c.2257-19T>G

Gene: DICER1 (dicer 1, ribonuclease III; minus strand). Cytogenetic location: 14q32.13.
Variant type: single nucleotide variant.
Coding change: c.2257-19T>G on transcript NM_177438.3 (MANE Select); 19 bases into the intron before coding-DNA position 2257, T replaced by G.
Molecular consequence: intron variant.
Genome position (GRCh38, 1-based): chr14:95,108,522, A>C on the plus strand (T>G on the coding strand, the complement: DICER1 is on the minus strand). VCF-style: chr14-95108522-A-C. GRCh37 (hg19) VCF-style: chr14-95574859-A-C.
Other names: c.2257-19T>G (NM_001291628.2, NM_030621.4, NM_001395677.1 and 12 more transcripts); c.1852-19T>G (NM_001395690.1, NM_001395687.1, NM_001395689.1 and 2 more transcripts); c.1975-19T>G (NM_001395686.1); c.1690-19T>G (NM_001395691.1); c.574-19T>G (NM_001395697.1).
Identifiers: ClinVar variation 3722296 (VCV003722296.2).

ClinVar aggregate classification (germline): Uncertain significance (1 of 4 stars; one submission).

Conditions:
DICER1-related tumor predisposition. Also called: DICER1 syndrome; DICER1-related pleuropulmonary blastoma cancer predisposition syndrome. Identifiers: Orphanet 284343, MedGen C3839822, MONDO:0100216.

Submission:

Labcorp Genetics (formerly Invitae), Labcorp
Classification: Uncertain significance for DICER1-related tumor predisposition. Last evaluated: 2024-10-06. Review status: criteria provided, single submitter. Criteria: Invitae Variant Classification Sherloc (09022015). Collection method: clinical testing. Allele origin: germline.
Comment: This sequence change falls in intron 14 of the DICER1 gene. It does not directly change the encoded amino acid sequence of the DICER1 protein. This variant is not present in population databases (gnomAD no frequency). This variant has not been reported in the literature in individuals affected with DICER1-related conditions. Algorithms developed to predict the effect of sequence changes on RNA splicing suggest that this variant may disrupt the consensus splice site. In summary, the available evidence is currently insufficient to determine the role of this variant in disease. Therefore, it has been classified as a Variant of Uncertain Significance.